The following is an entry in ClinVar:

ClinVar aggregate classification (germline): Uncertain significance. Review status: criteria provided, multiple submitters, no conflicts (2 of 4 stars). 2 submissions from 2 submitters: Uncertain significance (2). Last evaluated 2025-12-06.

Allele frequency attached by ClinVar (database versions not stated): gnomAD exomes below 0.00001 and 0.00001; ExAC 0.00001; gnomAD 0.00001; TOPMed 0.00003.
gnomAD v4.1: 7 of 1,613,864 alleles (0.00043%); highest among the groups gnomAD compares: African/African-American, 0.0053%; no homozygotes.

Submissions (2):

Labcorp Genetics (formerly Invitae), Labcorp
Classification: Uncertain significance. Last evaluated: 2025-12-06. Review status: criteria provided, single submitter. Criteria: Invitae Variant Classification Sherloc (09022015). Collection method: clinical testing. Allele origin: germline.
Comment: This sequence change replaces alanine, which is neutral and non-polar, with valine, which is neutral and non-polar, at codon 33 of the ACO2 protein (p.Ala33Val). This variant is present in population databases (rs749611259, gnomAD 0.007%). This variant has not been reported in the literature in individuals affected with ACO2-related conditions. ClinVar contains an entry for this variant (Variation ID: 426152). Invitae Evidence Modeling of protein sequence and biophysical properties (such as structural, functional, and spatial information, amino acid conservation, physicochemical variation, residue mobility, and thermodynamic stability) indicates that this missense variant is expected to disrupt ACO2 protein function with a positive predictive value of 95%. In summary, the available evidence is currently insufficient to determine the role of this variant in disease. Therefore, it has been classified as a Variant of Uncertain Significance.

GeneDx
Classification: Uncertain significance. Last evaluated: 2021-11-24. Review status: criteria provided, single submitter. Criteria: GeneDx Variant Classification Process June 2021. Collection method: clinical testing. Allele origin: germline. Affected: yes.
Comment: Has not been previously published as pathogenic or benign to our knowledge

NM_001098.3(ACO2):c.98C>T (p.Ala33Val)

Gene: ACO2 (aconitase 2; plus strand). Cytogenetic location: 22q13.2.
Variant type: single nucleotide variant.
Coding change: c.98C>T on transcript NM_001098.3 (MANE Select); coding-DNA position 98, C replaced by T.
Protein change: p.Ala33Val; replaces alanine 33 with valine.
Molecular consequence: missense variant.
Genome position (GRCh38, 1-based): chr22:41,499,787, C>T. VCF-style: chr22-41499787-C-T. GRCh37 (hg19) VCF-style: chr22-41895791-C-T.
Other names: short protein forms A33V.
Identifiers: ClinVar variation 426152 (VCV000426152.9), dbSNP rs749611259, ClinGen allele CA10257280.